The following is an entry in ClinVar:

NM_000199.5(SGSH):c.154del (p.Ala52fs)

Gene: SGSH (N-sulfoglucosamine sulfohydrolase; minus strand). Cytogenetic location: 17q25.3.
Variant type: Deletion.
Coding change: c.154del on transcript NM_000199.5 (MANE Select); coding-DNA position 154, one base deleted (G; older notation c.154delG).
Protein change: p.Ala52fs; shifts the reading frame from alanine 52.
Molecular consequence: frameshift variant. On other transcripts: non-coding transcript variant (1).
Genome position (GRCh38, 1-based): chr17:80,217,127, C deleted on the plus strand (G on the coding strand, the reverse complement: SGSH is on the minus strand). VCF-style (leftmost placement, unchanged base first): chr17-80217126-GC-G. GRCh37 (hg19) VCF-style: chr17-78190925-GC-G.
Other names: c.154del, p.Ala52fs (NM_001352921.3, NM_001352922.2); short protein forms A52fs.
Identifiers: ClinVar variation 4061357 (VCV004061357.2).

ClinVar aggregate classification (germline): Pathogenic (1 of 4 stars; one submission).

Conditions:
Mucopolysaccharidosis, MPS-III-A (MPS3A). Also called: HEPARAN SULFATE SULFATASE DEFICIENCY; SANFILIPPO SYNDROME A; SULFAMIDASE DEFICIENCY; MPS III A; Mucopolysaccharidosis, type IIIA; MPS IIIA (Sanfilippo Syndrome Type A). Identifiers: Orphanet 581, Orphanet 79269, MedGen C0086647, MONDO:0009655, OMIM 252900.

Submission:

Natera, Inc.
Classification: Pathogenic for Mucopolysaccharidosis type IIIA. Last evaluated: 2025-04-15. Review status: criteria provided, single submitter. Criteria: Natera Variant Classification Schema (03/2026). Collection method: clinical testing. Allele origin: germline.
Comment: The c.154del variant in SGSH is a frameshift variant predicted to shift the reading frame beginning at codon 52 and leads to a stop codon 212 codons downstream. This variant is expected to result in nonsense mediated decay, truncation, or a dysfunctional protein product. This variant is rare in the general population with a frequency below the threshold expected for the associated phenotype(s). Functional studies show that this variant may disrupt protein function (PMID: 10727844). Given the available evidence, this variant is classified as Pathogenic.

Literature cited by the submitters: PubMed 10727844.